The following is an entry in ClinVar:

NM_001040142.2(SCN2A):c.4460A>T (p.Asp1487Val)

Gene: SCN2A (sodium voltage-gated channel alpha subunit 2; plus strand). Cytogenetic location: 2q24.3.
Variant type: single nucleotide variant.
Coding change: c.4460A>T on transcript NM_001040142.2 (MANE Select); coding-DNA position 4460, A replaced by T.
Protein change: p.Asp1487Val; replaces aspartic acid 1487 with valine.
Molecular consequence: missense variant.
Genome position (GRCh38, 1-based): chr2:165,381,106, A>T. VCF-style: chr2-165381106-A-T. GRCh37 (hg19) VCF-style: chr2-166237616-A-T.
Other names: c.4460A>T, p.Asp1487Val (NM_001040143.2, NM_001371246.1, NM_001371247.1 and 1 more transcripts); short protein forms D1487V.
Identifiers: ClinVar variation 2114859 (VCV002114859.4), dbSNP rs2468129385, ClinGen allele CA349034558.
Genomic context (GRCh38, chr2:165,381,106, plus strand): 5'-GCCAGCAAAGAACACAATTTTAACAAGTGTTGCTTTCATTTCTTTACTTTGGAGGTCAAG[A>T]CATTTTTATGACAGAAGAACAGAAGAAATACTACAATGCAATGAAAAAACTGGGTTCAAA-3'
Protein context (NP_001035232.1, residues 1477-1497): NQQKKKFGGQ[Asp1487Val]IFMTEEQKKY

ClinVar aggregate classification (germline): Likely pathogenic (1 of 4 stars; one submission).

Conditions:
Seizures, benign familial infantile, 3 (BFIS3). Also called: CONVULSIONS, BENIGN FAMILIAL INFANTILE, 3; Familial neonatal seizures. Identifiers: Orphanet 140927, Orphanet 306, MedGen C1843140, MONDO:0011904, OMIM 607745.
Developmental and epileptic encephalopathy, 11 (DEE11). Also called: Early infantile epileptic encephalopathy 11. Identifiers: Orphanet 1934, MedGen C3150987, MONDO:0013388, OMIM 613721.

Submission:

Labcorp Genetics (formerly Invitae), Labcorp
Classification: Likely pathogenic for Seizures, benign familial infantile, 3; Developmental and epileptic encephalopathy, 11. Last evaluated: 2025-01-27. Review status: criteria provided, single submitter. Criteria: Invitae Variant Classification Sherloc (09022015). Collection method: clinical testing. Allele origin: germline.
Comment: This sequence change replaces aspartic acid, which is acidic and polar, with valine, which is neutral and non-polar, at codon 1487 of the SCN2A protein (p.Asp1487Val). This variant is not present in population databases (gnomAD no frequency). This missense change has been observed in individual(s) with clinical features of developmental and epileptic encephalopathy (internal data). ClinVar contains an entry for this variant (Variation ID: 2114859). Invitae Evidence Modeling of protein sequence and biophysical properties (such as structural, functional, and spatial information, amino acid conservation, physicochemical variation, residue mobility, and thermodynamic stability) indicates that this missense variant is expected to disrupt SCN2A protein function with a positive predictive value of 95%. This variant disrupts the p.Asp1487 amino acid residue in SCN2A. Other variant(s) that disrupt this residue have been determined to be pathogenic (PMID: 32603808; internal data). This suggests that this residue is clinically significant, and that variants that disrupt this residue are likely to be disease-causing. In summary, the currently available evidence indicates that the variant is pathogenic, but additional data are needed to prove that conclusively. Therefore, this variant has been classified as Likely Pathogenic.

Literature cited by the submitters: PubMed 32603808.